The following is an entry in ClinVar:

NM_031448.6(C19orf12):c.241C>A (p.Pro81Thr)

Gene: C19orf12 (chromosome 19 open reading frame 12; minus strand). Cytogenetic location: 19q12.
Variant type: single nucleotide variant.
Coding change: c.241C>A on transcript NM_031448.6 (MANE Select); coding-DNA position 241, C replaced by A.
Protein change: p.Pro81Thr; replaces proline 81 with threonine.
Molecular consequence: missense variant.
Genome position (GRCh38, 1-based): chr19:29,702,897, G>T on the plus strand (C>A on the coding strand, the complement: C19orf12 is on the minus strand). VCF-style: chr19-29702897-G-T. GRCh37 (hg19) VCF-style: chr19-30193804-G-T.
Other names: c.241C>A, p.Pro81Thr (NM_001031726.4, NM_001256046.3, NM_001256047.2); c.49C>A, p.Pro17Thr (NM_001282929.1, NM_001282930.3, NM_001282931.3); short protein forms P17T, P92T, P81T.
Identifiers: ClinVar variation 873517 (VCV000873517.4), dbSNP rs756687848, ClinGen allele CA405143137.
Genomic context (GRCh38, chr19:29,702,897, plus strand): 5'-ACTCCAGGTGCCTGATGATGGCTGCGGCTTCGTTAAAGAGCCTCTGTTGCTCGGCAGGGG[G>T]CAGCTCCATTAGGATCTGAGGAACCGGCTTAAACTGTCCACTTGTCATCCAGGCACCTAA-3'
Protein context (NP_113636.2, residues 71-91): KPVPQILMEL[Pro81Thr]PAEQQRLFNE

ClinVar aggregate classification (germline): Uncertain significance (1 of 4 stars; one submission).

Conditions:
Neurodegeneration with brain iron accumulation 4 (NBIA4). Also called: MITOCHONDRIAL PROTEIN-ASSOCIATED NEURODEGENERATION. Identifiers: Orphanet 289560, MedGen C3280371, MONDO:0013674, OMIM 614298. Disease mechanism: loss of function.

Allele frequency attached by ClinVar (database versions not stated): TOPMed below 0.00001.
gnomAD v4.1: 2 of 1,614,222 alleles (0.00012%); no homozygotes.

Submission:

Illumina Laboratory Services, Illumina
Classification: Uncertain significance for Neurodegeneration with brain iron accumulation 4. Last evaluated: 2020-01-31. Review status: criteria provided, single submitter. Criteria: ICSLVariantClassificationCriteria RUGD 01 April 2020. Collection method: clinical testing. Allele origin: unknown.
Comment: The C19orf12 c.274C>A (p.Pro92Thr) variant is a missense variant. A literature search was performed for the gene, cDNA change, and amino acid change. No publications were found based on this search. This variant is reported at a frequency of 0.000009 in the European (non-Finnish) population of the Genome Aggregation Database. This frequency is based on one allele in a region of good sequence coverage, so the variant is presumed to be rare. To date, single heterozygous missense variants have not been associated with the autosomal dominant form of the disease. Based on the limited evidence, the p.Pro92Thr variant is classified as a variant of unknown significance for mitochondrial membrane protein-associated neurodegeneration.